The following is an entry in ClinVar:

NM_019098.5(CNGB3):c.991-1G>A

Gene: CNGB3 (cyclic nucleotide gated channel subunit beta 3; minus strand). Cytogenetic location: 8q21.3.
Variant type: single nucleotide variant.
Coding change: c.991-1G>A on transcript NM_019098.5 (MANE Select); the canonical splice acceptor site of the intron before coding-DNA position 991, G replaced by A.
Molecular consequence: splice acceptor variant.
Genome position (GRCh38, 1-based): chr8:86,644,687, C>T on the plus strand (G>A on the coding strand, the complement: CNGB3 is on the minus strand). VCF-style: chr8-86644687-C-T. GRCh37 (hg19) VCF-style: chr8-87656915-C-T.
Identifiers: ClinVar variation 2785627 (VCV002785627.3), dbSNP rs1371310644, ClinGen allele CA371447853.

ClinVar aggregate classification (germline): Likely pathogenic (1 of 4 stars; one submission).

gnomAD v4.1: 2 of 1,554,620 alleles (0.00013%); highest among the groups gnomAD compares: Non-Finnish European, 0.00017%; no homozygotes.

Submission:

Labcorp Genetics (formerly Invitae), Labcorp
Classification: Likely pathogenic. Last evaluated: 2023-07-15. Review status: criteria provided, single submitter. Criteria: Invitae Variant Classification Sherloc (09022015). Collection method: clinical testing. Allele origin: germline.
Comment: This sequence change affects an acceptor splice site in intron 8 of the CNGB3 gene. It is expected to disrupt RNA splicing. Variants that disrupt the donor or acceptor splice site typically lead to a loss of protein function (PMID: 16199547), and loss-of-function variants in CNGB3 are known to be pathogenic (PMID: 28795510). This variant is not present in population databases (gnomAD no frequency). This variant has not been reported in the literature in individuals affected with CNGB3-related conditions. Algorithms developed to predict the effect of sequence changes on RNA splicing suggest that this variant may disrupt the consensus splice site. In summary, the currently available evidence indicates that the variant is pathogenic, but additional data are needed to prove that conclusively. Therefore, this variant has been classified as Likely Pathogenic.

Literature cited by the submitters: PubMed 16199547; PubMed 28795510.